The following is an entry in ClinVar:

ClinVar aggregate classification (germline): Pathogenic/Likely pathogenic. Review status: criteria provided, multiple submitters, no conflicts (2 of 4 stars). 2 submissions from 2 submitters: Pathogenic (1); Likely pathogenic (1). Last evaluated 2026-01-22.

Allele frequency attached by ClinVar (database versions not stated): gnomAD below 0.00001 and 0.00004; gnomAD exomes 0.00002.

Submissions (2):

Labcorp Genetics (formerly Invitae), Labcorp
Classification: Pathogenic. Last evaluated: 2026-01-22. Review status: criteria provided, single submitter. Criteria: Invitae Variant Classification Sherloc (09022015). Collection method: clinical testing. Allele origin: germline.
Comment: This variant results in the deletion of part of exon 44 (c.4531_4564-42del) of the COL7A1 gene. It is expected to disrupt RNA splicing. Variants that disrupt the donor or acceptor splice site typically lead to a loss of protein function (PMID: 16199547), and loss-of-function variants in COL7A1 are known to be pathogenic (PMID: 16971478). The frequency data for this variant in the population databases is considered unreliable, as metrics indicate poor data quality at this position in the gnomAD database. This variant has not been reported in the literature in individuals affected with COL7A1-related conditions. ClinVar contains an entry for this variant (Variation ID: 933947). This variant disrupts the triple helix domain of COL7A1. Glycine residues within the Gly-Xaa-Yaa repeats of the triple helix domain are required for the structure and stability of fibrillar collagens (PMID: 7695699, 8218237, 19344236), and variants at these glycine residues in COL7A1 are more frequently observed in individuals with disease than in the general population (PMID: 22058051). However, the clinical significance of this observation remains uncertain since only a limited number of affected individuals have been described to date. For these reasons, this variant has been classified as Pathogenic.

Revvity Omics, Revvity
Classification: Likely pathogenic. Last evaluated: 2025-06-05. Review status: criteria provided, single submitter. Criteria: ACMG Guidelines, 2015. Collection method: clinical testing. Allele origin: germline.

Literature cited by the submitters: PubMed 16199547 (cited by Labcorp Genetics (formerly Invitae), Labcorp); PubMed 16971478 (cited by Labcorp Genetics (formerly Invitae), Labcorp); PubMed 7695699 (cited by Labcorp Genetics (formerly Invitae), Labcorp); PubMed 8218237 (cited by Labcorp Genetics (formerly Invitae), Labcorp); PubMed 19344236 (cited by Labcorp Genetics (formerly Invitae), Labcorp); PubMed 22058051 (cited by Labcorp Genetics (formerly Invitae), Labcorp).

NM_000094.4(COL7A1):c.4531_4564-42del

Gene: COL7A1 (collagen type VII alpha 1 chain; minus strand). Cytogenetic location: 3p21.31.
Variant type: Deletion.
Coding change: c.4531_4564-42del on transcript NM_000094.4 (MANE Select); coding-DNA position 4531 through 42 bases into the intron before coding-DNA position 4564, 87 bases deleted.
Molecular consequence: splice donor variant.
Genome position (GRCh38, 1-based): chr3:48,582,555-48,582,641, 87 bases deleted. GRCh37 (hg19): chr3:48,619,988-48,620,074.
Identifiers: ClinVar variation 933947 (VCV000933947.7), dbSNP rs2044843806, ClinGen allele CA2379954.